The following is an entry in ClinVar:

ClinVar aggregate classification (germline): Likely pathogenic (1 of 4 stars; one submission).

Conditions:
Inborn genetic diseases. Identifiers: MedGen C0950123, MeSH D030342.

Submission:

Ambry Genetics
Classification: Likely pathogenic for Inborn genetic diseases. Last evaluated: 2026-01-23. Review status: criteria provided, single submitter. Criteria: Ambry Variant Classification Scheme 2023. Collection method: clinical testing. Allele origin: germline.
Comment: The c.878-2A>G intronic variant consists of an A to G substitution two nucleotides before exon 8 (coding exon 8) of the AMT gene. Alterations that disrupt the canonical splice site are expected to result in aberrant splicing. A resulting transcript is predicted to be in-frame and is not expected to trigger nonsense-mediated mRNAdecay, although direct evidence is unavailable. However, the region predicted to be impacted is critical for protein function and a significant portion of the protein is affected (Ambry internal data). This variant was not reported in population-based cohorts in the Genome Aggregation Database (gnomAD). Another variant impacting the same acceptor site (c.878-1G>A) has been identified in individual(s) with features consistent with AMT-related glycine encephalopathy (Toone, 2001; Toone, 2003; Silverstein, 2019; Barbosa-Gouveia, 2021; Atli, 2022). This nucleotide position is highly conserved in available vertebrate species. In silico splice site analysis predicts that this alteration will weaken the native splice acceptor site. Based on the available evidence, this alteration is classified as likely pathogenic.

Literature cited by the submitters: PubMed 11139253; PubMed 12948742; PubMed 30350008; PubMed 33528079; PubMed 34440436.

NM_000481.4(AMT):c.878-2A>G

Gene: AMT (aminomethyltransferase; minus strand). Cytogenetic location: 3p21.31.
Variant type: single nucleotide variant.
Coding change: c.878-2A>G on transcript NM_000481.4 (MANE Select); the canonical splice acceptor site of the intron before coding-DNA position 878, A replaced by G.
Molecular consequence: splice acceptor variant.
Genome position (GRCh38, 1-based): chr3:49,417,975, T>C on the plus strand (A>G on the coding strand, the complement: AMT is on the minus strand). VCF-style: chr3-49417975-T-C. GRCh37 (hg19) VCF-style: chr3-49455408-T-C.
Other names: c.710-2A>G (NM_001164711.2); c.746-2A>G (NM_001164710.2); c.878-2A>G (NM_001164712.2).
Identifiers: ClinVar variation 4833620 (VCV004833620.1).